The following is an entry in ClinVar:

NM_006218.4(PIK3CA):c.2042G>C (p.Ser681Thr)

Gene: PIK3CA (phosphatidylinositol-4,5-bisphosphate 3-kinase catalytic subunit alpha; plus strand). Cytogenetic location: 3q26.32.
Variant type: single nucleotide variant.
Coding change: c.2042G>C on transcript NM_006218.4 (MANE Select); coding-DNA position 2042, G replaced by C.
Protein change: p.Ser681Thr; replaces serine 681 with threonine.
Molecular consequence: missense variant.
Genome position (GRCh38, 1-based): chr3:179,221,012, G>C. VCF-style: chr3-179221012-G-C. GRCh37 (hg19) VCF-style: chr3-178938800-G-C.
Other names: c.2042G>C (NM_006218.2); short protein forms S681T.
Identifiers: ClinVar variation 1038606 (VCV001038606.10), dbSNP rs1724953620, ClinGen allele CA355268797.

ClinVar aggregate classification (germline): Uncertain significance. Review status: criteria provided, multiple submitters, no conflicts (2 of 4 stars). 2 submissions from 2 submitters: Uncertain significance (2). Last evaluated 2023-10-02.

Conditions:
Inborn genetic diseases. Identifiers: MedGen C0950123, MeSH D030342.
Cowden syndrome (CS). Also called: Cowden's disease; Cowden's syndrome; Cowden disease. Identifiers: Orphanet 201, MedGen C0018553, MONDO:0016063. Disease mechanism: gain of function.

Submissions (2):

Ambry Genetics
Classification: Uncertain significance for Inborn genetic diseases. Last evaluated: 2023-10-02. Review status: criteria provided, single submitter. Criteria: Ambry Variant Classification Scheme 2023. Collection method: clinical testing. Allele origin: germline.
Comment: The p.S681T variant (also known as c.2042G>C), located in coding exon 13 of the PIK3CA gene, results from a G to C substitution at nucleotide position 2042. The serine at codon 681 is replaced by threonine, an amino acid with similar properties. This amino acid position is conserved. In addition, the in silico prediction for this alteration is inconclusive. Since supporting evidence is limited at this time, the clinical significance of this alteration remains unclear.

Labcorp Genetics (formerly Invitae), Labcorp
Classification: Uncertain significance for Cowden syndrome. Last evaluated: 2021-08-01. Review status: criteria provided, single submitter. Criteria: Invitae Variant Classification Sherloc (09022015). Collection method: clinical testing. Allele origin: germline.
Comment: In summary, the available evidence is currently insufficient to determine the role of this variant in disease. Therefore, it has been classified as a Variant of Uncertain Significance. Algorithms developed to predict the effect of missense changes on protein structure and function (SIFT, PolyPhen-2, Align-GVGD) all suggest that this variant is likely to be tolerated, but these predictions have not been confirmed by published functional studies and their clinical significance is uncertain. This variant has not been reported in the literature in individuals with PIK3CA-related conditions. This variant is not present in population databases (ExAC no frequency). This sequence change replaces serine with threonine at codon 681 of the PIK3CA protein (p.Ser681Thr). The serine residue is highly conserved and there is a small physicochemical difference between serine and threonine.